The following is an entry in ClinVar:

NM_144997.7(FLCN):c.791C>T (p.Ala264Val)

Gene: FLCN (folliculin; minus strand). Cytogenetic location: 17p11.2.
Variant type: single nucleotide variant.
Coding change: c.791C>T on transcript NM_144997.7 (MANE Select); coding-DNA position 791, C replaced by T.
Protein change: p.Ala264Val; replaces alanine 264 with valine.
Molecular consequence: missense variant.
Genome position (GRCh38, 1-based): chr17:17,221,617, G>A on the plus strand (C>T on the coding strand, the complement: FLCN is on the minus strand). VCF-style: chr17-17221617-G-A. GRCh37 (hg19) VCF-style: chr17-17124931-G-A.
Other names: c.791C>T (NM_144997.6, LRG_325t1); c.845C>T, p.Ala282Val (NM_001353229.2); c.791C>T, p.Ala264Val (NM_001353230.2, NM_001353231.2, NM_144606.7); short protein forms A264V, A282V.
Identifiers: ClinVar variation 322066 (VCV000322066.22), dbSNP rs372304384, ClinGen allele CA8416291.
Genomic context (GRCh38, chr17:17,221,617, plus strand): 5'-ACCAAGGTATCCTCGGTCGGAGCACCTTCCAGGAGCTTCTCGGTCAGCCGGCTGCCACAC[G>A]CCTTCAGGAGCCTGGAGAACACAGCACCAGCTATGAGCGTTCTCGCCAAAGGAAAAAGCA-3'
Protein context (NP_659434.2, residues 254-274): LHTSFAWLLK[Ala264Val]CGSRLTEKLL

ClinVar aggregate classification (germline): Conflicting classifications of pathogenicity. Review status: criteria provided, conflicting classifications (1 of 4 stars). 8 submissions from 7 submitters: Uncertain significance (6); Likely benign (2). Last evaluated 2026-01-25.

Conditions:
Hereditary cancer-predisposing syndrome. Also called: Neoplastic Syndromes, Hereditary; Hereditary neoplastic syndrome; Tumor predisposition; Hereditary Cancer Syndrome. Identifiers: Orphanet 140162, MedGen C0027672, MeSH D009386, MONDO:0015356.
Birt-Hogg-Dube syndrome 1 (BHD1). Also called: FIBROFOLLICULOMAS WITH TRICHODISCOMAS AND ACROCHORDONS. Identifiers: Orphanet 122, MedGen CN375946, MONDO:0800445, OMIM 135150.
Familial spontaneous pneumothorax (PSP). Identifiers: Orphanet 2903, MedGen C1868193, MONDO:0008259, OMIM 173600.
Birt-Hogg-Dube syndrome. Also called: Birt Hogg Dubé syndrome. Identifiers: Orphanet 122, MedGen C0346010, MONDO:0800444.

Allele frequency attached by ClinVar (database versions not stated): ExAC 0.00001; gnomAD 0.00001; gnomAD exomes 0.00002; TOPMed 0.00002; ESP Exome Variant Server 0.00008.
gnomAD v4.1: 28 of 1,607,828 alleles (0.0017%); highest among the groups gnomAD compares: South Asian, 0.0044%; no homozygotes.

Submissions (8):

Labcorp Genetics (formerly Invitae), Labcorp
Classification: Uncertain significance for Birt-Hogg-Dube syndrome. Last evaluated: 2026-01-25. Review status: criteria provided, single submitter. Criteria: Invitae Variant Classification Sherloc (09022015). Collection method: clinical testing. Allele origin: germline.
Comment: This sequence change replaces alanine, which is neutral and non-polar, with valine, which is neutral and non-polar, at codon 264 of the FLCN protein (p.Ala264Val). This variant is present in population databases (rs372304384, gnomAD 0.01%). This variant has not been reported in the literature in individuals affected with FLCN-related conditions. ClinVar contains an entry for this variant (Variation ID: 322066). Invitae Evidence Modeling of protein sequence and biophysical properties (such as structural, functional, and spatial information, amino acid conservation, physicochemical variation, residue mobility, and thermodynamic stability) indicates that this missense variant is not expected to disrupt FLCN protein function with a negative predictive value of 80%. RNA analysis performed to evaluate the impact of this missense change on mRNA splicing indicates it does not significantly alter splicing (internal data). In summary, the available evidence is currently insufficient to determine the role of this variant in disease. Therefore, it has been classified as a Variant of Uncertain Significance.

Quest Diagnostics Nichols Institute San Juan Capistrano
Classification: Uncertain significance. Last evaluated: 2024-11-15. Review status: criteria provided, single submitter. Criteria: Quest Diagnostics criteria. Collection method: clinical testing. Allele origin: unknown.
Comment: The FLCN c.791C>T (p.Ala264Val) variant has not been reported in individuals with FLCN-related conditions in the published literature. The frequency of this variant in the general population, 0.000098 (3/30584 chromosomes in South Asian subpopulation (Genome Aggregation Database)), is higher than would generally be expected for pathogenic variants in this gene. Analysis of this variant using bioinformatics tools for the prediction of the effect of amino acid changes on protein structure and function yielded predictions that this variant is damaging. Additional analysis using software algorithms for the prediction of the effect of nucleotide changes on FLCN mRNA splicing yielded predictions that this variant may result in the gain of a cryptic splice site without affecting the natural splice sites. Based on the available information, we are unable to determine the clinical significance of this variant.

GeneDx
Classification: Uncertain significance. Last evaluated: 2024-11-05. Review status: criteria provided, single submitter. Criteria: GeneDx Variant Classification Process June 2021. Collection method: clinical testing. Allele origin: germline. Affected: yes.
Comment: Not observed at significant frequency in large population cohorts (gnomAD); In silico analysis indicates that this missense variant does not alter protein structure/function; Has not been previously published as pathogenic or benign to our knowledge

Myriad Genetics, Inc.
Classification: Likely benign for Birt-Hogg-Dube syndrome 1. Last evaluated: 2024-08-26. Review status: criteria provided, single submitter. Criteria: Myriad Autosomal Dominant, Autosomal Recessive and X-Linked Classification Criteria (2023). Collection method: clinical testing. Allele origin: unknown.
Comment: This variant is considered likely benign. This variant has been observed at a population frequency that is significantly greater than expected given the associated disease prevalence and penetrance.

Baylor Genetics
Classification: Uncertain significance for Birt-Hogg-Dube syndrome 1. Last evaluated: 2023-06-27. Review status: criteria provided, single submitter. Criteria: ACMG Guidelines, 2015. Collection method: clinical testing. Allele origin: unknown.

Ambry Genetics
Classification: Likely benign for Hereditary cancer-predisposing syndrome. Last evaluated: 2022-08-19. Review status: criteria provided, single submitter. Criteria: Ambry Variant Classification Scheme 2023. Collection method: clinical testing. Allele origin: germline.

Illumina Laboratory Services, Illumina
Classification: Uncertain significance for Familial spontaneous pneumothorax. Last evaluated: 2018-01-13. Review status: criteria provided, single submitter. Criteria: ICSL Variant Classification Criteria 13 December 2019. Collection method: clinical testing. Allele origin: germline.

Illumina Laboratory Services, Illumina
Classification: Uncertain significance for Birt-Hogg-Dube syndrome 1. Last evaluated: 2018-01-13. Review status: criteria provided, single submitter. Criteria: ICSL Variant Classification Criteria 13 December 2019. Collection method: clinical testing. Allele origin: germline.